The following is an entry in ClinVar:

NM_001267550.2(TTN):c.10378C>G (p.Pro3460Ala)

Gene: TTN (titin; minus strand). Cytogenetic location: 2q31.2.
Variant type: single nucleotide variant.
Coding change: c.10378C>G on transcript NM_001267550.2 (MANE Select); coding-DNA position 10378, C replaced by G.
Protein change: p.Pro3460Ala; replaces proline 3460 with alanine.
Molecular consequence: missense variant. On other transcripts: intron variant (5).
Genome position (GRCh38, 1-based): chr2:178,757,842, G>C on the plus strand (C>G on the coding strand, the complement: TTN is on the minus strand). VCF-style: chr2-178757842-G-C. GRCh37 (hg19) VCF-style: chr2-179622569-G-C.
Other names: c.10240C>G, p.Pro3414Ala (NM_133432.3); c.10165+1142C>G (NM_003319.4); c.10166-1045C>G (NM_133437.4); c.10303+1142C>G (NM_133378.4, NM_001256850.1, NM_133379.5); short protein forms P3414A, P3460A.
Identifiers: ClinVar variation 166289 (VCV000166289.25), dbSNP rs201735487, ClinGen allele CA179177.

ClinVar aggregate classification (germline): Conflicting classifications of pathogenicity. Review status: criteria provided, conflicting classifications (1 of 4 stars). 12 submissions from 9 submitters: Uncertain significance (1); Benign (5); Likely benign (6). Last evaluated 2026-03-27.

Conditions:
TTN-related disorder. Also called: TTN-related condition; TTN-related disease; TTN-related disorders.
Dilated cardiomyopathy 1G (CMD1G). Identifiers: Orphanet 154, MedGen C1858763, MONDO:0011400, OMIM 604145.
Autosomal recessive limb-girdle muscular dystrophy type 2J (LGMDR10). Also called: Limb-girdle muscular dystrophy, type 2J; MUSCULAR DYSTROPHY, LIMB-GIRDLE, AUTOSOMAL RECESSIVE 10. Identifiers: Orphanet 140922, MedGen C1837342, MONDO:0012127, OMIM 608807.
Early-onset myopathy with fatal cardiomyopathy (CMYO5). Also called: Salih Myopathy; CONGENITAL MYOPATHY 5 WITH CARDIOMYOPATHY. Identifiers: Orphanet 289377, MedGen C2673677, MONDO:0012714, OMIM 611705. Disease mechanism: loss of function.
Tibial muscular dystrophy (TMD). Also called: UDD MYOPATHY; Tibial muscular dystrophy, tardive; Udd Distal Myopathy – Tibial Muscular Dystrophy. Identifiers: Orphanet 609, MedGen C1838244, MONDO:0010870, OMIM 600334.
Myopathy, myofibrillar, 9, with early respiratory failure (MFM9). Also called: Hereditary myopathy with early respiratory failure; MYOPATHY, PROXIMAL, WITH EARLY RESPIRATORY MUSCLE INVOLVEMENT; Myopathy, distal, with early respiratory failure, autosomal dominant; EDSTROM MYOPATHY. Identifiers: Orphanet 178464, Orphanet 34521, MedGen C1863599, MONDO:0011362, OMIM 603689.

Allele frequency attached by ClinVar (database versions not stated): gnomAD exomes 0.00014; ExAC 0.00018; gnomAD 0.00047 and 0.00053; TOPMed 0.00056; ESP Exome Variant Server 0.00067; 1000 Genomes Project 0.00080; 1000 Genomes Project 30x 0.00109.
gnomAD v4.1: 150 of 1,589,766 alleles (0.0094%); highest among the groups gnomAD compares: African/African-American, 0.18%; no homozygotes.

Submissions (12):

Molecular Diagnostic Laboratory for Inherited Cardiovascular Disease, Montreal Heart Institute
Classification: Likely benign. Last evaluated: 2026-03-27. Review status: criteria provided, single submitter. Criteria: ACMG Guidelines, 2015. Collection method: clinical testing. Allele origin: germline. Affected: no.

Labcorp Genetics (formerly Invitae), Labcorp
Classification: Likely benign for Dilated cardiomyopathy 1G; Autosomal recessive limb-girdle muscular dystrophy type 2J. Last evaluated: 2026-02-01. Review status: criteria provided, single submitter. Criteria: Invitae Variant Classification Sherloc (09022015). Collection method: clinical testing. Allele origin: germline.

PreventionGenetics, part of Exact Sciences
Classification: Likely benign for TTN-related condition. Last evaluated: 2025-04-15. Review status: criteria provided, single submitter. Criteria: ACMG Guidelines, 2015. Collection method: clinical testing. Allele origin: germline.
Comment: This variant is classified as likely benign based on ACMG/AMP sequence variant interpretation guidelines (Richards et al. 2015 PMID: 25741868, with internal and published modifications).

ARUP Laboratories, Molecular Genetics and Genomics, ARUP Laboratories
Classification: Uncertain significance. Last evaluated: 2025-04-14. Review status: criteria provided, single submitter. Criteria: ARUP Molecular Germline Variant Investigation Process 2024. Collection method: clinical testing. Allele origin: germline.
Comment: The TTN c.10378C>G; p.Pro3460Ala variant (rs201735487; ClinVar Variation ID: 166289) is rare in the general population (<0.2% allele frequency in the Genome Aggregation Database) and has not been reported in the medical literature in association with dilated cardiomyopathy (DCM) or other TTN-related disease. The clinical relevance of rare missense variants in this gene, which are identified on average once per individual sequenced in affected populations (Herman 2012), is not well understood. Yet, evidence suggests that the vast majority of such missense variants do not contribute to the clinical outcome of DCM (Begay 2015). Thus, the clinical significance of the p.Pro3460Ala variant cannot be determined with certainty. References: Begay RL et al. Role of Titin Missense Variants in Dilated Cardiomyopathy. J Am Heart Assoc. 2015 Nov 13;4(11). PMID: 26567375. Herman DS et al. Truncations of titin causing dilated cardiomyopathy. N Engl J Med. 2012 Feb 16;366(7):619-28. PMID: 22335739. Linke WA and Hamdani N. Gigantic business: titin properties and function through thick and thin. Circ Res 2014; 114(6): 1052-1068. PMID: 24625729.

Women's Health and Genetics/Laboratory Corporation of America, LabCorp
Classification: Likely benign. Last evaluated: 2025-01-29. Review status: criteria provided, single submitter. Criteria: LabCorp Variant Classification Summary - May 2015. Collection method: clinical testing. Allele origin: germline.
Comment: Variant summary: TTN c.10303+1142C>G is located at a position not widely known to affect splicing. This variant corresponds to c.10378C>G in NM_001267550. Consensus agreement among computation tools predict no significant impact on normal splicing. However, these predictions have yet to be confirmed by functional studies. The variant allele was found at a frequency of 0.00014 in 229334 control chromosomes, predominantly at a frequency of 0.0018 within the African or African-American subpopulation in the gnomAD database. The observed variant frequency within African or African-American control individuals in the gnomAD database is approximately 4.6-fold of the estimated maximal expected allele frequency for a pathogenic variant in TTN causing Dilated Cardiomyopathy phenotype (0.00039), suggesting the variant is benign. To our knowledge, no occurrence of c.10303+1142C>G in individuals affected with Dilated Cardiomyopathy and no experimental evidence demonstrating its impact on protein function have been reported. ClinVar contains an entry for this variant (Variation ID: 166289). Based on the evidence outlined above, the variant was classified as likely benign.

Blueprint Genetics
Classification: Likely benign. Last evaluated: 2023-10-14. Review status: criteria provided, single submitter. Criteria: ACMG Guidelines, 2015. Collection method: clinical testing. Allele origin: germline.

Genome-Nilou Lab
Classification: Benign for Autosomal recessive limb-girdle muscular dystrophy type 2J. Last evaluated: 2021-09-10. Review status: criteria provided, single submitter. Criteria: ACMG Guidelines, 2015. Collection method: clinical testing. Allele origin: germline. Affected: no.

Genome-Nilou Lab
Classification: Benign for Myopathy, myofibrillar, 9, with early respiratory failure. Last evaluated: 2021-09-10. Review status: criteria provided, single submitter. Criteria: ACMG Guidelines, 2015. Collection method: clinical testing. Allele origin: germline. Affected: no.

Genome-Nilou Lab
Classification: Benign for Early-onset myopathy with fatal cardiomyopathy. Last evaluated: 2021-09-10. Review status: criteria provided, single submitter. Criteria: ACMG Guidelines, 2015. Collection method: clinical testing. Allele origin: germline. Affected: no.

Genome-Nilou Lab
Classification: Benign for Tibial muscular dystrophy. Last evaluated: 2021-09-10. Review status: criteria provided, single submitter. Criteria: ACMG Guidelines, 2015. Collection method: clinical testing. Allele origin: germline. Affected: no.

Athena Diagnostics
Classification: Likely benign. Last evaluated: 2017-05-08. Review status: criteria provided, single submitter. Criteria: Athena Diagnostics Criteria. Collection method: clinical testing. Allele origin: germline.

Laboratory for Molecular Medicine, Mass General Brigham Personalized Medicine
Classification: Benign. Last evaluated: 2014-03-12. Review status: criteria provided, single submitter. Criteria: LMM Criteria. Collection method: clinical testing. Allele origin: germline. Observed: 1 variant allele.
Comment: This variant is not expected to have clinical significance because the variant a minoacid is present in 13 other mammals and the variant has been identified in 0 .2% (8/3704) of African American chromosomes by the NHLBI Exome Sequencing Proje ct (dbSNP rs201735487).